The following is an entry in ClinVar:

NM_005883.3(APC2):c.439A>G (p.Lys147Glu)

Gene: APC2 (APC regulator of WNT signaling pathway 2; plus strand). Cytogenetic location: 19p13.3.
Variant type: single nucleotide variant.
Coding change: c.439A>G on transcript NM_005883.3 (MANE Select); coding-DNA position 439, A replaced by G.
Protein change: p.Lys147Glu; replaces lysine 147 with glutamic acid.
Molecular consequence: missense variant.
Genome position (GRCh38, 1-based): chr19:1,455,174, A>G. VCF-style: chr19-1455174-A-G. GRCh37 (hg19) VCF-style: chr19-1455173-A-G.
Other names: c.439A>G, p.Lys147Glu (NM_001351273.1); short protein forms K147E.
Identifiers: ClinVar variation 3374903 (VCV003374903.1).

ClinVar aggregate classification (germline): Uncertain significance (1 of 4 stars; one submission).

gnomAD v4.1: 24 of 1,576,412 alleles (0.0015%); highest among the groups gnomAD compares: East Asian, 0.0047%; no homozygotes.

Submission:

Women's Health and Genetics/Laboratory Corporation of America, LabCorp
Classification: Uncertain significance. Last evaluated: 2024-09-11. Review status: criteria provided, single submitter. Criteria: LabCorp Variant Classification Summary - May 2015. Collection method: clinical testing. Allele origin: germline.
Comment: Variant summary: APC2 c.439A>G (p.Lys147Glu) results in a conservative amino acid change in the encoded protein sequence. Three of five in-silico tools predict a damaging effect of the variant on protein function. The variant allele was found at a frequency of 1.4e-05 in 207858 control chromosomes (gnomAD). The available data on variant occurrences in the general population are insufficient to allow any conclusion about variant significance. To our knowledge, no occurrence of c.439A>G in individuals affected with APC2-Related Disorders and no experimental evidence demonstrating its impact on protein function have been reported. No submitters have cited clinical-significance assessments for this variant to ClinVar. Based on the evidence outlined above, the variant was classified as uncertain significance.